The following is an entry in ClinVar:

ClinVar aggregate classification (germline): Uncertain significance (1 of 4 stars; one submission).

Conditions:
Hypercholesterolemia, familial, 4 (FHCL4). Also called: HYPERCHOLESTEROLEMIA, AUTOSOMAL RECESSIVE, 1; HYPERCHOLESTEROLEMIA, AUTOSOMAL RECESSIVE, 2. Identifiers: Orphanet 391665, MedGen C1863512, MONDO:0011374, OMIM 603813.

Submission:

Labcorp Genetics (formerly Invitae), Labcorp
Classification: Uncertain significance for Hypercholesterolemia, familial, 4. Last evaluated: 2025-09-02. Review status: criteria provided, single submitter. Criteria: Invitae Variant Classification Sherloc (09022015). Collection method: clinical testing. Allele origin: germline.
Comment: This sequence change replaces histidine, which is basic and polar, with arginine, which is basic and polar, at codon 144 of the LDLRAP1 protein (p.His144Arg). This variant is not present in population databases (gnomAD no frequency). This variant has not been reported in the literature in individuals affected with LDLRAP1-related conditions. Invitae Evidence Modeling of protein sequence and biophysical properties (such as structural, functional, and spatial information, amino acid conservation, physicochemical variation, residue mobility, and thermodynamic stability) indicates that this missense variant is expected to disrupt LDLRAP1 protein function with a positive predictive value of 80%. In summary, the available evidence is currently insufficient to determine the role of this variant in disease. Therefore, it has been classified as a Variant of Uncertain Significance.

NM_015627.3(LDLRAP1):c.431A>G (p.His144Arg)

Gene: LDLRAP1 (low density lipoprotein receptor adaptor protein 1; plus strand). Cytogenetic location: 1p36.11.
Variant type: single nucleotide variant.
Coding change: c.431A>G on transcript NM_015627.3 (MANE Select); coding-DNA position 431, A replaced by G.
Protein change: p.His144Arg; replaces histidine 144 with arginine.
Molecular consequence: missense variant.
Genome position (GRCh38, 1-based): chr1:25,557,239, A>G. VCF-style: chr1-25557239-A-G. GRCh37 (hg19) VCF-style: chr1-25883730-A-G.
Other names: short protein forms H144R.
Identifiers: ClinVar variation 4740353 (VCV004740353.1).
Genomic context (GRCh38, chr1:25,557,239, plus strand): 5'-TGCACGACAAGGTGTTTGCATACATCGCCCAGAGCCAGCACAACCAGAGCCTCGAGTGCC[A>G]CGCCTTCCTCTGCACCAAGCGGAAGATGGTCAGCGGGGAGGGCTGGGGCGGGGACAGGGT-3'
Protein context (NP_056442.2, residues 134-154): QSQHNQSLEC[His144Arg]AFLCTKRKMA